The following is an entry in ClinVar:

ClinVar aggregate classification (germline): Conflicting classifications of pathogenicity. Review status: criteria provided, conflicting classifications (1 of 4 stars). 15 submissions from 15 submitters: Uncertain significance (1); Benign (4); Likely benign (8). 2 of the submissions do not count toward it. Last evaluated 2026-02-01.

Conditions:
Ehlers-Danlos syndrome, classic type, 1 (EDSCL1). Also called: Ehlers-Danlos syndrome, type 1; Ehlers-Danlos Syndrome, Classic Type, COL5A1-Related; EDS I; EHLERS-DANLOS SYNDROME, GRAVIS TYPE; EHLERS-DANLOS SYNDROME, SEVERE CLASSIC TYPE. Identifiers: MedGen C0268335, MONDO:0019567, OMIM 130000.
Ehlers-Danlos syndrome, classic type, 2 (EDSCL2). Also called: Ehlers-Danlos syndrome, type 2; Ehlers-Danlos syndrome type 2 (formerly); Ehlers-Danlos Syndrome, Classic Type, COL5A2-Related. Identifiers: Orphanet 287, Orphanet 90318, MedGen C0268336, MONDO:0019568, OMIM 130010.
Connective tissue disorder. Also called: Connective tissue disease. Identifiers: MedGen C0009782, MONDO:0003900.
Ehlers-Danlos syndrome (EDS). Identifiers: Orphanet 98249, MedGen C0013720, MONDO:0020066.

Allele frequency attached by ClinVar (database versions not stated): gnomAD 0.00055 and 0.00061; ExAC 0.00062; TOPMed 0.00070; ESP Exome Variant Server 0.00077.
gnomAD v4.1: 1,759 of 1,604,170 alleles (0.11%); highest among the groups gnomAD compares: Non-Finnish European, 0.14%; 1 homozygote.

Submissions (15):

CeGaT Center for Human Genetics Tuebingen
Classification: Likely benign. Last evaluated: 2026-02-01. Review status: criteria provided, single submitter. Criteria: CeGaT Center For Human Genetics Tuebingen Variant Classification Criteria Version 2. Collection method: clinical testing. Allele origin: germline. Affected: yes. Observed: 3 variant alleles.
Comment: COL5A2: BP4, BS1

Labcorp Genetics (formerly Invitae), Labcorp
Classification: Benign for Ehlers-Danlos syndrome, classic type, 1. Last evaluated: 2026-01-24. Review status: criteria provided, single submitter. Criteria: Invitae Variant Classification Sherloc (09022015). Collection method: clinical testing. Allele origin: germline.

Mayo Clinic Laboratories, Mayo Clinic
Classification: Likely benign. Last evaluated: 2025-12-05. Review status: criteria provided, single submitter. Criteria: ACMG Guidelines, 2015. Collection method: clinical testing. Allele origin: germline. Observed: 12 variant alleles.

Molecular Diagnostic Laboratory for Inherited Cardiovascular Disease, Montreal Heart Institute
Classification: Likely benign. Last evaluated: 2025-07-24. Review status: criteria provided, single submitter. Criteria: ACMG Guidelines, 2015. Collection method: clinical testing. Allele origin: germline. Affected: no.
Comment: BS1

ARUP Laboratories, Molecular Genetics and Genomics, ARUP Laboratories
Classification: Benign for Ehlers-Danlos syndrome, classic type, 2. Last evaluated: 2025-03-28. Review status: criteria provided, single submitter. Criteria: ARUP Molecular Germline Variant Investigation Process 2024. Collection method: clinical testing. Allele origin: germline.

Blueprint Genetics
Classification: Likely benign. Last evaluated: 2024-10-28. Review status: criteria provided, single submitter. Criteria: ACMG Guidelines, 2015. Collection method: clinical testing. Allele origin: germline.

Women's Health and Genetics/Laboratory Corporation of America, LabCorp
Classification: Benign. Last evaluated: 2023-07-21. Review status: criteria provided, single submitter. Criteria: LabCorp Variant Classification Summary - May 2015. Collection method: clinical testing. Allele origin: germline.

Genome Diagnostics Laboratory, The Hospital for Sick Children
Classification: Likely benign for Ehlers-Danlos syndrome. Last evaluated: 2020-04-01. Review status: criteria provided, single submitter. Criteria: ACMG Guidelines, 2015. Collection method: clinical testing. Allele origin: germline.

Illumina Laboratory Services, Illumina
Classification: Likely benign for Ehlers-Danlos syndrome, classic type, 2. Last evaluated: 2018-01-13. Review status: criteria provided, single submitter. Criteria: ICSL Variant Classification Criteria 13 December 2019. Collection method: clinical testing. Allele origin: germline.
Comment: This variant was observed in the ICSL laboratory as part of a predisposition screen in an ostensibly healthy population. It had not been previously curated by ICSL or reported in the Human Gene Mutation Database (HGMD: prior to June 1st, 2018), and was therefore a candidate for classification through an automated scoring system. Utilizing variant allele frequency, disease prevalence and penetrance estimates, and inheritance mode, an automated score was calculated to assess if this variant is too frequent to cause the disease. Based on the score and internal cut-off values, a variant classified as likely benign is not then subjected to further curation. The score for this variant resulted in a classification of likely benign for this disease.

Eurofins Ntd Llc (ga)
Classification: Uncertain significance. Last evaluated: 2016-12-29. Review status: criteria provided, single submitter. Criteria: EGL Classification Definitions 2015. Collection method: clinical testing. Allele origin: germline. Observed: 2 variant alleles, 2 heterozygotes.

Center for Human Genetics, Inc
Classification: Likely benign for Connective tissue disorder. Last evaluated: 2016-11-01. Review status: criteria provided, single submitter. Criteria: ACMG Guidelines, 2015. Collection method: clinical testing. Allele origin: germline. Affected: yes.

GeneDx
Classification: Benign. Last evaluated: 2014-06-18. Review status: criteria provided, single submitter. Criteria: GeneDx Variant Classification (06012015). Collection method: clinical testing. Allele origin: germline. Affected: yes.
Comment: This variant is considered likely benign or benign based on one or more of the following criteria: it is a conservative change, it occurs at a poorly conserved position in the protein, it is predicted to be benign by multiple in silico algorithms, and/or has population frequency not consistent with disease.

PreventionGenetics, part of Exact Sciences
Classification: Likely benign. Review status: criteria provided, single submitter. Criteria: ACMG Guidelines, 2015. Collection method: clinical testing. Allele origin: germline.

Clinical Genetics DNA and cytogenetics Diagnostics Lab, Erasmus MC, Erasmus Medical Center
Classification: Likely benign. Review status: no assertion criteria provided. Collection method: clinical testing. Allele origin: germline. Affected: yes. Study: VKGL Data-share Consensus. Not counted in ClinVar's aggregate classification.

Genome Diagnostics Laboratory, University Medical Center Utrecht
Classification: Likely benign. Review status: no assertion criteria provided. Collection method: clinical testing. Allele origin: germline. Affected: yes. Study: VKGL Data-share Consensus. Not counted in ClinVar's aggregate classification.

Literature cited by the submitters: PubMed 35830949 (cited by Mayo Clinic Laboratories, Mayo Clinic).

NM_000393.5(COL5A2):c.3471+8A>T

Gene: COL5A2 (collagen type V alpha 2 chain; minus strand). Cytogenetic location: 2q32.2.
Variant type: single nucleotide variant.
Coding change: c.3471+8A>T on transcript NM_000393.5 (MANE Select); 8 bases into the intron after coding-DNA position 3471, A replaced by T.
Molecular consequence: intron variant.
Genome position (GRCh38, 1-based): chr2:189,043,143, T>A on the plus strand (A>T on the coding strand, the complement: COL5A2 is on the minus strand). VCF-style: chr2-189043143-T-A. GRCh37 (hg19) VCF-style: chr2-189907869-T-A.
Other names: p.?; c.3471+8A>T (NM_000393.4).
Identifiers: ClinVar variation 155778 (VCV000155778.53), dbSNP rs367643805, ClinGen allele CA245831.